The following is an entry in ClinVar:

ClinVar aggregate classification (germline): Uncertain significance. Review status: criteria provided, multiple submitters, no conflicts (2 of 4 stars). 2 submissions from 2 submitters: Uncertain significance (2). Last evaluated 2025-12-06.

Allele frequency attached by ClinVar (database versions not stated): ExAC 0.00001; gnomAD 0.00001; gnomAD exomes 0.00001; TOPMed 0.00001.
gnomAD v4.1: 14 of 1,614,098 alleles (0.00087%); highest among the groups gnomAD compares: Non-Finnish European, 0.0012%; no homozygotes.

Submissions (2):

Labcorp Genetics (formerly Invitae), Labcorp
Classification: Uncertain significance. Last evaluated: 2025-12-06. Review status: criteria provided, single submitter. Criteria: Invitae Variant Classification Sherloc (09022015). Collection method: clinical testing. Allele origin: germline.
Comment: This sequence change replaces glutamine, which is neutral and polar, with lysine, which is basic and polar, at codon 50 of the APOA4 protein (p.Gln50Lys). This variant is present in population databases (rs748755944, gnomAD 0.0009%). This missense change has been observed in individual(s) with dyslipidemia (PMID: 36325899). ClinVar contains an entry for this variant (Variation ID: 2300950). Invitae Evidence Modeling of protein sequence and biophysical properties (such as structural, functional, and spatial information, amino acid conservation, physicochemical variation, residue mobility, and thermodynamic stability) indicates that this missense variant is expected to disrupt APOA4 protein function with a positive predictive value of 80%. In summary, the available evidence is currently insufficient to determine the role of this variant in disease. Therefore, it has been classified as a Variant of Uncertain Significance.

Ambry Genetics
Classification: Uncertain significance. Last evaluated: 2025-04-12. Review status: criteria provided, single submitter. Criteria: Ambry Variant Classification Scheme 2023. Collection method: clinical testing. Allele origin: germline.

Literature cited by the submitters: PubMed 36325899 (cited by Labcorp Genetics (formerly Invitae), Labcorp).

NM_000482.4(APOA4):c.148C>A (p.Gln50Lys)

Gene: APOA4 (apolipoprotein A4; minus strand). Cytogenetic location: 11q23.3.
Variant type: single nucleotide variant.
Coding change: c.148C>A on transcript NM_000482.4 (MANE Select); coding-DNA position 148, C replaced by A.
Protein change: p.Gln50Lys; replaces glutamine 50 with lysine.
Molecular consequence: missense variant.
Genome position (GRCh38, 1-based): chr11:116,822,687, G>T on the plus strand (C>A on the coding strand, the complement: APOA4 is on the minus strand). VCF-style: chr11-116822687-G-T. GRCh37 (hg19) VCF-style: chr11-116693403-G-T.
Other names: short protein forms Q50K.
Identifiers: ClinVar variation 2300950 (VCV002300950.4), dbSNP rs748755944, ClinGen allele CA6289526.